The following is an entry in ClinVar:

ClinVar aggregate classification (germline): Uncertain significance (1 of 4 stars; one submission).

gnomAD v4.1: 2 of 1,614,072 alleles (0.00012%); highest among the groups gnomAD compares: Admixed American, 0.0017%; no homozygotes.

Submission:

Labcorp Genetics (formerly Invitae), Labcorp
Classification: Uncertain significance. Last evaluated: 2024-10-21. Review status: criteria provided, single submitter. Criteria: Invitae Variant Classification Sherloc (09022015). Collection method: clinical testing. Allele origin: germline.
Comment: This sequence change replaces arginine, which is basic and polar, with isoleucine, which is neutral and non-polar, at codon 2760 of the KMT2A protein (p.Arg2760Ile). This variant is not present in population databases (gnomAD no frequency). This variant has not been reported in the literature in individuals affected with KMT2A-related conditions. Invitae Evidence Modeling of protein sequence and biophysical properties (such as structural, functional, and spatial information, amino acid conservation, physicochemical variation, residue mobility, and thermodynamic stability) indicates that this missense variant is not expected to disrupt KMT2A protein function with a negative predictive value of 95%. In summary, the available evidence is currently insufficient to determine the role of this variant in disease. Therefore, it has been classified as a Variant of Uncertain Significance.

NM_001197104.2(KMT2A):c.8279G>T (p.Arg2760Ile)

Gene: KMT2A (lysine methyltransferase 2A; plus strand). Cytogenetic location: 11q23.3.
Variant type: single nucleotide variant.
Coding change: c.8279G>T on transcript NM_001197104.2 (MANE Select); coding-DNA position 8279, G replaced by T.
Protein change: p.Arg2760Ile; replaces arginine 2760 with isoleucine.
Molecular consequence: missense variant.
Genome position (GRCh38, 1-based): chr11:118,504,171, G>T. VCF-style: chr11-118504171-G-T. GRCh37 (hg19) VCF-style: chr11-118374886-G-T.
Other names: c.8369G>T, p.Arg2790Ile (NM_001412597.1); c.8270G>T, p.Arg2757Ile (NM_005933.4); short protein forms R2790I, R2757I, R2760I.
Identifiers: ClinVar variation 3634345 (VCV003634345.2).
Genomic context (GRCh38, chr11:118,504,171, plus strand): 5'-GCAGCCAGATTCCAAAAAGAAATGGTAAAGAAAATGGAACAGAGAACTTAAAGATTGATA[G>T]ACCTGAAGATGCTGGGGAGAAAGAACATGTCACTAAGAGTTCTGTTGGCCACAAAAATGA-3'
Protein context (NP_001184033.1, residues 2750-2770): ENGTENLKID[Arg2760Ile]PEDAGEKEHV